The following is an entry in ClinVar:

ClinVar aggregate classification (germline): Uncertain significance. Review status: criteria provided, multiple submitters, no conflicts (2 of 4 stars). 2 submissions from 2 submitters: Uncertain significance (2). Last evaluated 2025-12-03.

Allele frequency attached by ClinVar (database versions not stated): ExAC 0.00002; gnomAD exomes 0.00002; TOPMed 0.00003; gnomAD 0.00005 and 0.00006.
gnomAD v4.1: 13 of 1,613,474 alleles (0.00081%); highest among the groups gnomAD compares: African/African-American, 0.016%; no homozygotes.

Submissions (2):

Women's Health and Genetics/Laboratory Corporation of America, LabCorp
Classification: Uncertain significance. Last evaluated: 2025-12-03. Review status: criteria provided, single submitter. Criteria: LabCorp Variant Classification Summary - May 2015. Collection method: clinical testing. Allele origin: germline.
Comment: Variant summary: GSN c.1157C>G (p.Thr386Ser) results in a conservative amino acid change in the encoded protein sequence. Algorithms developed to predict the effect of missense changes on protein structure and function are either unavailable or do not agree on the potential impact of this missense change. The variant allele was found at a frequency of 2e-05 in 251360 control chromosomes. The available data on variant occurrences in the general population are insufficient to allow any conclusion about variant significance. To our knowledge, no occurrence of c.1157C>G in individuals affected with GSN-related conditions and no experimental evidence demonstrating its impact on protein function have been reported. ClinVar contains an entry for this variant (Variation ID: 1385434). Based on the evidence outlined above, the variant was classified as uncertain significance.

Labcorp Genetics (formerly Invitae), Labcorp
Classification: Uncertain significance. Last evaluated: 2024-09-24. Review status: criteria provided, single submitter. Criteria: Invitae Variant Classification Sherloc (09022015). Collection method: clinical testing. Allele origin: germline.
Comment: This sequence change replaces threonine, which is neutral and polar, with serine, which is neutral and polar, at codon 386 of the GSN protein (p.Thr386Ser). This variant is present in population databases (rs759427135, gnomAD 0.02%). This variant has not been reported in the literature in individuals affected with GSN-related conditions. ClinVar contains an entry for this variant (Variation ID: 1385434). An algorithm developed to predict the effect of missense changes on protein structure and function (PolyPhen-2) suggests that this variant is likely to be tolerated. In summary, the available evidence is currently insufficient to determine the role of this variant in disease. Therefore, it has been classified as a Variant of Uncertain Significance.

NM_198252.3(GSN):c.1004C>G (p.Thr335Ser)

Gene: GSN (gelsolin; plus strand). Cytogenetic location: 9q33.2.
Variant type: single nucleotide variant.
Coding change: c.1004C>G on transcript NM_198252.3 (MANE Select); coding-DNA position 1004, C replaced by G.
Protein change: p.Thr335Ser; replaces threonine 335 with serine.
Molecular consequence: missense variant.
Genome position (GRCh38, 1-based): chr9:121,318,693, C>G. VCF-style: chr9-121318693-C-G. GRCh37 (hg19) VCF-style: chr9-124080971-C-G.
Other names: c.1157C>G, p.Thr386Ser (NM_000177.5); c.1004C>G, p.Thr335Ser (NM_001127662.2, NM_001127664.2, NM_001127665.2 and 10 more transcripts); c.1112C>G, p.Thr371Ser (NM_001127663.2); c.1037C>G, p.Thr346Ser (NM_001127666.2, NM_001127667.2, NM_001353063.2 and 13 more transcripts); c.1055C>G, p.Thr352Ser (NM_001258029.2); c.1028C>G, p.Thr343Ser (NM_001258030.2); c.1076C>G, p.Thr359Ser (NM_001353076.2); c.350C>G, p.Thr117Ser (NM_001353078.2); short protein forms T335S, T346S, T343S, T371S, T386S, T117S, T352S, T359S.
Identifiers: ClinVar variation 1385434 (VCV001385434.9), dbSNP rs759427135, ClinGen allele CA5221120.